The following is an entry in ClinVar:

NM_003482.4(KMT2D):c.9720G>C (p.Leu3240=)

Gene: KMT2D (lysine methyltransferase 2D; minus strand). Cytogenetic location: 12q13.12.
Variant type: single nucleotide variant.
Coding change: c.9720G>C on transcript NM_003482.4 (MANE Select); coding-DNA position 9720, G replaced by C.
Protein change: p.Leu3240=; no amino-acid change (leucine 3240 retained).
Molecular consequence: synonymous variant.
Genome position (GRCh38, 1-based): chr12:49,037,636, C>G on the plus strand (G>C on the coding strand, the complement: KMT2D is on the minus strand). VCF-style: chr12-49037636-C-G. GRCh37 (hg19) VCF-style: chr12-49431419-C-G.
Identifiers: ClinVar variation 747679 (VCV000747679.47), dbSNP rs370192252, ClinGen allele CA6546652.

ClinVar aggregate classification (germline): Benign/Likely benign. Review status: criteria provided, multiple submitters, no conflicts (2 of 4 stars). 5 submissions from 5 submitters: Benign (2); Likely benign (2). 1 of the submissions does not count toward it. Last evaluated 2026-01-07.

Conditions:
KMT2D-related disorder. Also called: KMT2D-Related Disorders.
Kabuki syndrome. Also called: Kabuki make-up syndrome; NIIKAWA-KUROKI SYNDROME. Identifiers: Orphanet 2322, MedGen C0796004, MONDO:0016512.

Allele frequency attached by ClinVar (database versions not stated): gnomAD 0.00001 and 0.00002; gnomAD exomes 0.00002 and 0.00007; TOPMed 0.00004; ExAC 0.00007.
gnomAD v4.1: 33 of 1,570,276 alleles (0.0021%); highest among the groups gnomAD compares: Middle Eastern, 0.12%; no homozygotes.

Submissions (5):

Labcorp Genetics (formerly Invitae), Labcorp
Classification: Benign for Kabuki syndrome. Last evaluated: 2026-01-07. Review status: criteria provided, single submitter. Criteria: Invitae Variant Classification Sherloc (09022015). Collection method: clinical testing. Allele origin: germline.

Blueprint Genetics
Classification: Likely benign. Last evaluated: 2024-11-12. Review status: criteria provided, single submitter. Criteria: ACMG Guidelines, 2015. Collection method: clinical testing. Allele origin: germline.

CeGaT Center for Human Genetics Tuebingen
Classification: Likely benign. Last evaluated: 2021-05-01. Review status: criteria provided, single submitter. Criteria: CeGaT Center For Human Genetics Tuebingen Variant Classification Criteria Version 2. Collection method: clinical testing. Allele origin: germline. Affected: yes. Observed: 1 variant allele.

GeneDx
Classification: Benign. Last evaluated: 2019-08-29. Review status: criteria provided, single submitter. Criteria: GeneDx Variant Classification Process June 2021. Collection method: clinical testing. Allele origin: germline. Affected: yes.

PreventionGenetics, part of Exact Sciences
Classification: Likely benign for KMT2D-related condition. Last evaluated: 2023-12-14. Review status: no assertion criteria provided. Collection method: clinical testing. Allele origin: germline. Not counted in ClinVar's aggregate classification.
Comment: This variant is classified as likely benign based on ACMG/AMP sequence variant interpretation guidelines (Richards et al. 2015 PMID: 25741868, with internal and published modifications).